The following is an entry in ClinVar:

NM_001374353.1(GLI2):c.3856G>T (p.Gly1286Trp)

Gene: GLI2 (GLI family zinc finger 2; plus strand). Cytogenetic location: 2q14.2.
Variant type: single nucleotide variant.
Coding change: c.3856G>T on transcript NM_001374353.1 (MANE Select); coding-DNA position 3856, G replaced by T.
Protein change: p.Gly1286Trp; replaces glycine 1286 with tryptophan.
Molecular consequence: missense variant.
Genome position (GRCh38, 1-based): chr2:120,989,821, G>T. VCF-style: chr2-120989821-G-T. GRCh37 (hg19) VCF-style: chr2-121747397-G-T.
Other names: c.3907G>T, p.Gly1303Trp (NM_001371271.1, NM_005270.5); c.3481G>T, p.Gly1161Trp (NM_001374354.1); short protein forms G1161W, G1286W, G1303W.
Identifiers: ClinVar variation 3372563 (VCV003372563.1).

ClinVar aggregate classification (germline): Uncertain significance (1 of 4 stars; one submission).

gnomAD v4.1: 1 of 1,611,686 alleles (0.000062%); highest among the groups gnomAD compares: Non-Finnish European, 0.000085%; no homozygotes.

Submission:

GeneDx
Classification: Uncertain significance. Last evaluated: 2024-04-30. Review status: criteria provided, single submitter. Criteria: GeneDx Variant Classification Process June 2021. Collection method: clinical testing. Allele origin: germline. Affected: yes.
Comment: Not observed at significant frequency in large population cohorts (gnomAD); In silico analysis supports that this missense variant has a deleterious effect on protein structure/function; Has not been previously published as pathogenic or benign to our knowledge